The following is an entry in ClinVar:

ClinVar aggregate classification (germline): Uncertain significance (1 of 4 stars; one submission).

Conditions:
Holoprosencephaly 4 (HPE4). Identifiers: Orphanet 2162, MedGen C1840528, MONDO:0007734, OMIM 142946.

Submission:

Labcorp Genetics (formerly Invitae), Labcorp
Classification: Uncertain significance for Holoprosencephaly 4. Last evaluated: 2022-10-04. Review status: criteria provided, single submitter. Criteria: Invitae Variant Classification Sherloc (09022015). Collection method: clinical testing. Allele origin: germline.
Comment: This sequence change replaces glutamine, which is neutral and polar, with arginine, which is basic and polar, at codon 245 of the TGIF1 protein (p.Gln245Arg). This variant is not present in population databases (gnomAD no frequency). This variant has not been reported in the literature in individuals affected with TGIF1-related conditions. Advanced modeling of protein sequence and biophysical properties (such as structural, functional, and spatial information, amino acid conservation, physicochemical variation, residue mobility, and thermodynamic stability) performed at Invitae indicates that this missense variant is not expected to disrupt TGIF1 protein function. In summary, the available evidence is currently insufficient to determine the role of this variant in disease. Therefore, it has been classified as a Variant of Uncertain Significance.

NM_003244.4(TGIF1):c.734A>G (p.Gln245Arg)

Gene: TGIF1 (TGFB induced factor homeobox 1; plus strand). Cytogenetic location: 18p11.31.
Variant type: single nucleotide variant.
Coding change: c.734A>G on transcript NM_003244.4 (MANE Select); coding-DNA position 734, A replaced by G.
Protein change: p.Gln245Arg; replaces glutamine 245 with arginine.
Molecular consequence: missense variant.
Genome position (GRCh38, 1-based): chr18:3,457,855, A>G. VCF-style: chr18-3457855-A-G. GRCh37 (hg19) VCF-style: chr18-3457853-A-G.
Other names: c.743A>G, p.Gln248Arg (NM_001278682.2); c.734A>G, p.Gln245Arg (NM_001278684.2, NM_173208.3); c.674A>G, p.Gln225Arg (NM_001278686.3, NM_001374396.1, NM_001374397.1 and 5 more transcripts); c.776A>G, p.Gln259Arg (NM_173207.4); short protein forms Q225R, Q245R, Q248R, Q259R.
Identifiers: ClinVar variation 1720957 (VCV001720957.5), dbSNP rs2510047492, ClinGen allele CA401724143.
Genomic context (GRCh38, chr18:3,457,855, plus strand): 5'-GTACGAATACACAGAGTGGTCTTTTCAACACTCCTCCCCCTACTCCACCGGACCTCAACC[A>G]GGACTTCAGTGGATTTCAGCTTCTAGTGGATGTTGCACTCAAACGGGCTGCAGAGATGGA-3'
Protein context (NP_003235.1, residues 235-255): TPPPTPPDLN[Gln245Arg]DFSGFQLLVD